The following is an entry in ClinVar:

NM_080916.3(DGUOK):c.649G>A (p.Ala217Thr)

Gene: DGUOK (deoxyguanosine kinase; plus strand). Cytogenetic location: 2p13.1.
Variant type: single nucleotide variant.
Coding change: c.649G>A on transcript NM_080916.3 (MANE Select); coding-DNA position 649, G replaced by A.
Protein change: p.Ala217Thr; replaces alanine 217 with threonine.
Molecular consequence: missense variant. On other transcripts: non-coding transcript variant (1), intron variant (2).
Genome position (GRCh38, 1-based): chr2:73,957,182, G>A. VCF-style: chr2-73957182-G-A. GRCh37 (hg19) VCF-style: chr2-74184309-G-A.
Other names: c.358G>A, p.Ala120Thr (NM_001318860.2, NM_001318861.2); c.340G>A, p.Ala114Thr (NM_001318862.2, NM_001318863.2); c.444-964G>A (NM_080918.3); c.426-964G>A (NM_001318859.2); c.649G>A (NM_080916.2); short protein forms A217T, A114T, A120T.
Identifiers: ClinVar variation 500893 (VCV000500893.10), dbSNP rs577526451, ClinGen allele CA1718313.

ClinVar aggregate classification (germline): Uncertain significance. Review status: criteria provided, multiple submitters, no conflicts (2 of 4 stars). 4 submissions from 4 submitters: Uncertain significance (3). 1 of the submissions does not count toward it. Last evaluated 2026-09-29.

Conditions:
DGUOK-related disorder. Also called: DGUOK-related condition.
Inborn genetic diseases. Identifiers: MedGen C0950123, MeSH D030342.

Allele frequency attached by ClinVar (database versions not stated): ExAC 0.00001; gnomAD exomes 0.00001; TOPMed 0.00003; 1000 Genomes Project 0.00020; 1000 Genomes Project 30x 0.00031; gnomAD 0.00005.

Submissions (4):

GeneDx
Classification: Uncertain significance. Last evaluated: 2026-09-29. Review status: criteria provided, single submitter. Criteria: GeneDx Variant Classification Process June 2021. Collection method: clinical testing. Allele origin: germline.
Comment: Has not been previously published as pathogenic or benign to our knowledge; In silico analysis suggests that this missense variant does not alter protein structure/function

Ambry Genetics
Classification: Uncertain significance for Inborn genetic diseases. Last evaluated: 2025-10-28. Review status: criteria provided, single submitter. Criteria: Ambry Variant Classification Scheme 2023. Collection method: clinical testing. Allele origin: germline.

Eurofins Ntd Llc (ga)
Classification: Uncertain significance. Last evaluated: 2017-03-16. Review status: criteria provided, single submitter. Criteria: EGL Classification Definitions 2015. Collection method: clinical testing. Allele origin: germline. Observed: 1 variant allele, 1 heterozygote.

PreventionGenetics, part of Exact Sciences
Classification: Uncertain significance for DGUOK-related condition. Last evaluated: 2024-05-08. Review status: no assertion criteria provided. Collection method: clinical testing. Allele origin: germline. Not counted in ClinVar's aggregate classification.
Comment: The DGUOK c.649G>A variant is predicted to result in the amino acid substitution p.Ala217Thr. To our knowledge, this variant has not been reported in the literature. This variant is reported in 0.020% of alleles in individuals of African descent in gnomAD. At this time, the clinical significance of this variant is uncertain due to the absence of conclusive functional and genetic evidence.